The following is an entry in ClinVar:

ClinVar aggregate classification (germline): Uncertain significance. Review status: criteria provided, single submitter (1 of 4 stars). 2 submissions from 2 submitters: Uncertain significance (1). 1 of the submissions does not count toward it. Last evaluated 2020-07-29.

Conditions:
Ataxia-telangiectasia syndrome (AT). Also called: Ataxia-telangiectasia, complementation group D; AT, COMPLEMENTATION GROUP C; ATAXIA-TELANGIECTASIA, COMPLEMENTATION GROUP A; ATAXIA-TELANGIECTASIA, FRESNO VARIANT; Ataxia-telangiectasia; Cerebello-oculocutaneous telangiectasia. Identifiers: Orphanet 100, MedGen C0004135, MONDO:0008840, OMIM 208900.

Submissions (2):

Labcorp Genetics (formerly Invitae), Labcorp
Classification: Uncertain significance for Ataxia-telangiectasia syndrome. Last evaluated: 2020-07-29. Review status: criteria provided, single submitter. Criteria: Invitae Variant Classification Sherloc (09022015). Collection method: clinical testing. Allele origin: germline.
Comment: This sequence change replaces glutamic acid with glutamine at codon 871 of the ATM protein (p.Glu871Gln). The glutamic acid residue is moderately conserved and there is a small physicochemical difference between glutamic acid and glutamine. This variant is not present in population databases (ExAC no frequency). In summary, the available evidence is currently insufficient to determine the role of this variant in disease. Therefore, it has been classified as a Variant of Uncertain Significance. This variant has not been reported in the literature in individuals with ATM-related conditions. Algorithms developed to predict the effect of missense changes on protein structure and function (SIFT, PolyPhen-2, Align-GVGD) all suggest that this variant is likely to be tolerated, but these predictions have not been confirmed by published functional studies and their clinical significance is uncertain.

Natera, Inc.
Classification: Uncertain significance for Ataxia-telangiectasia. Last evaluated: 2020-08-03. Review status: no assertion criteria provided. Collection method: clinical testing. Allele origin: germline. Not counted in ClinVar's aggregate classification.

NM_000051.4(ATM):c.2611G>C (p.Glu871Gln)

Gene: ATM (ATM serine/threonine kinase; plus strand). Cytogenetic location: 11q22.3.
Variant type: single nucleotide variant.
Coding change: c.2611G>C on transcript NM_000051.4 (MANE Select); coding-DNA position 2611, G replaced by C.
Protein change: p.Glu871Gln; replaces glutamic acid 871 with glutamine.
Molecular consequence: missense variant.
Genome position (GRCh38, 1-based): chr11:108,267,315, G>C. VCF-style: chr11-108267315-G-C. GRCh37 (hg19) VCF-style: chr11-108138042-G-C.
Other names: c.2611G>C, p.Glu871Gln (NM_001351834.2); short protein forms E871Q.
Identifiers: ClinVar variation 1000615 (VCV001000615.13), dbSNP rs1591588632, ClinGen allele CA382544175.